The following is an entry in ClinVar:

NM_017654.4(SAMD9):c.4376C>T (p.Ala1459Val)

Gene: SAMD9 (sterile alpha motif domain containing 9; minus strand). Cytogenetic location: 7q21.2.
Variant type: single nucleotide variant.
Coding change: c.4376C>T on transcript NM_017654.4 (MANE Select); coding-DNA position 4376, C replaced by T.
Protein change: p.Ala1459Val; replaces alanine 1459 with valine.
Molecular consequence: missense variant.
Genome position (GRCh38, 1-based): chr7:93,101,722, G>A on the plus strand (C>T on the coding strand, the complement: SAMD9 is on the minus strand). VCF-style: chr7-93101722-G-A. GRCh37 (hg19) VCF-style: chr7-92731035-G-A.
Other names: c.4376C>T, p.Ala1459Val (NM_001193307.2); short protein forms A1459V.
Identifiers: ClinVar variation 2039292 (VCV002039292.1), dbSNP rs1791533456, ClinGen allele CA368179172.
Genomic context (GRCh38, chr7:93,101,722, plus strand): 5'-GCAATTGGTTGCTTTGTACGATGCATATGTTTATATTGCCCCTTGAAAGAATTTTTTAGT[G>A]CTTGAGCATACTCTTTCATTTGTTCAGAATGTTGATCTAGTTGTTGATTTTCTGGCCAGA-3'
Protein context (NP_060124.2, residues 1449-1469): HSEQMKEYAQ[Ala1459Val]LKNSFKGQYK

ClinVar aggregate classification (germline): Uncertain significance (1 of 4 stars; one submission).

Allele frequency attached by ClinVar (database versions not stated): gnomAD exomes below 0.00001; gnomAD 0.00001.

Submission:

Labcorp Genetics (formerly Invitae), Labcorp
Classification: Uncertain significance. Last evaluated: 2022-10-19. Review status: criteria provided, single submitter. Criteria: Invitae Variant Classification Sherloc (09022015). Collection method: clinical testing. Allele origin: germline.
Comment: This sequence change replaces alanine, which is neutral and non-polar, with valine, which is neutral and non-polar, at codon 1459 of the SAMD9 protein (p.Ala1459Val). This variant is not present in population databases (gnomAD no frequency). This variant has not been reported in the literature in individuals affected with SAMD9-related conditions. Advanced modeling of protein sequence and biophysical properties (such as structural, functional, and spatial information, amino acid conservation, physicochemical variation, residue mobility, and thermodynamic stability) performed at Invitae indicates that this missense variant is not expected to disrupt SAMD9 protein function. In summary, the available evidence is currently insufficient to determine the role of this variant in disease. Therefore, it has been classified as a Variant of Uncertain Significance.